The following is an entry in ClinVar:

ClinVar aggregate classification (germline): Uncertain significance (1 of 4 stars; one submission).

gnomAD v4.1: 24 of 1,614,068 alleles (0.0015%); highest among the groups gnomAD compares: East Asian, 0.013%; no homozygotes.

Submission:

Labcorp Genetics (formerly Invitae), Labcorp
Classification: Uncertain significance. Last evaluated: 2023-05-08. Review status: criteria provided, single submitter. Criteria: Invitae Variant Classification Sherloc (09022015). Collection method: clinical testing. Allele origin: germline.
Comment: This variant has not been reported in the literature in individuals affected with DHX32-related conditions. In summary, the available evidence is currently insufficient to determine the role of this variant in disease. Therefore, it has been classified as a Variant of Uncertain Significance. An algorithm developed to predict the effect of missense changes on protein structure and function (PolyPhen-2) suggests that this variant is likely to be disruptive. ClinVar contains an entry for this variant (Variation ID: 1960730). This variant is present in population databases (rs374157987, gnomAD 0.006%). This sequence change replaces arginine, which is basic and polar, with glutamine, which is neutral and polar, at codon 588 of the DHX32 protein (p.Arg588Gln).

NM_018180.3(DHX32):c.1763G>A (p.Arg588Gln)

Genes: BCCIP (BRCA2 and CDKN1A interacting protein; plus strand), DHX32 (DEAH-box helicase 32 (putative); minus strand). Cytogenetic location: 10q26.2.
Variant type: single nucleotide variant.
Coding change: c.1763G>A on transcript NM_018180.3 (MANE Select); coding-DNA position 1763, G replaced by A.
Protein change: p.Arg588Gln; replaces arginine 588 with glutamine.
Molecular consequence: missense variant. On other transcripts: intron variant (2).
Genome position (GRCh38, 1-based): chr10:125,839,119, C>T on the plus strand (G>A on the coding strand, the complement: DHX32 is on the minus strand). VCF-style: chr10-125839119-C-T. GRCh37 (hg19) VCF-style: chr10-127527688-C-T.
Other names: c.775-2136C>T (NM_016567.4, NM_078469.3); short protein forms R588Q.
Identifiers: ClinVar variation 1960730 (VCV001960730.5), dbSNP rs374157987, ClinGen allele CA5739058.